The following is an entry in ClinVar:

NM_020975.6(RET):c.1030G>C (p.Gly344Arg)

Gene: RET (ret proto-oncogene; plus strand). Cytogenetic location: 10q11.21.
Variant type: single nucleotide variant.
Coding change: c.1030G>C on transcript NM_020975.6 (MANE Select); coding-DNA position 1030, G replaced by C.
Protein change: p.Gly344Arg; replaces glycine 344 with arginine.
Molecular consequence: missense variant. On other transcripts: intron variant (25).
Genome position (GRCh38, 1-based): chr10:43,106,538, G>C. VCF-style: chr10-43106538-G-C. GRCh37 (hg19) VCF-style: chr10-43601986-G-C.
Other names: c.1030G>C, p.Gly344Arg (NM_000323.2, NM_001406743.1, NM_001406744.1 and 6 more transcripts); c.268G>C, p.Gly90Arg (NM_001355216.2); c.901G>C, p.Gly301Arg (NM_001406761.1, NM_001406762.1, NM_001406764.1 and 1 more transcripts); c.742G>C, p.Gly248Arg (NM_001406766.1, NM_001406767.1, NM_001406770.1); c.867+1345G>C (NM_001406772.1, NM_001406769.1); c.626-2493G>C (NM_001406773.1, NM_001406771.1); c.625+3909G>C (NM_001406782.1, NM_001406780.1, NM_001406779.1 and 3 more transcripts); c.738+1345G>C (NM_001406774.1); and 5 more; short protein forms G301R, G248R, G344R, G90R.
Identifiers: ClinVar variation 2751314 (VCV002751314.3), dbSNP rs749883001, ClinGen allele CA376546435.

ClinVar aggregate classification (germline): Uncertain significance (1 of 4 stars; one submission).

Conditions:
Multiple endocrine neoplasia, type 2 (MEN2). Identifiers: Orphanet 653, MedGen C4048306, MONDO:0019003. Disease mechanism: gain of function.

Submission:

Labcorp Genetics (formerly Invitae), Labcorp
Classification: Uncertain significance for Multiple endocrine neoplasia, type 2. Last evaluated: 2025-11-02. Review status: criteria provided, single submitter. Criteria: Invitae Variant Classification Sherloc (09022015). Collection method: clinical testing. Allele origin: germline.
Comment: This sequence change replaces glycine, which is neutral and non-polar, with arginine, which is basic and polar, at codon 344 of the RET protein (p.Gly344Arg). This variant is present in population databases (no rsID available, gnomAD 0.0009%). This variant has not been reported in the literature in individuals affected with RET-related conditions. ClinVar contains an entry for this variant (Variation ID: 2751314). An algorithm developed to predict the effect of missense changes on protein structure and function (PolyPhen-2) suggests that this variant is likely to be disruptive. In summary, the available evidence is currently insufficient to determine the role of this variant in disease. Therefore, it has been classified as a Variant of Uncertain Significance.